The following is an entry in ClinVar:

ClinVar aggregate classification (germline): Uncertain significance. Review status: criteria provided, single submitter (1 of 4 stars). 2 submissions from 2 submitters: Uncertain significance (1). 1 of the submissions does not count toward it. Last evaluated 2025-05-28.

Conditions:
Breast-ovarian cancer, familial, susceptibility to, 1 (BROVCA1). Also called: BRCA1 Hereditary Breast and Ovarian Cancer; OVARIAN CANCER, SUSCEPTIBILITY TO. Identifiers: Orphanet 145, MedGen C2676676, MONDO:0011450, OMIM 604370. Disease mechanism: loss of function.

Submissions (3):

Quest Diagnostics Nichols Institute San Juan Capistrano
Classification: Uncertain significance. Last evaluated: 2025-05-28. Review status: criteria provided, single submitter. Criteria: Quest Diagnostics criteria. Collection method: clinical testing. Allele origin: unknown.
Comment: The BRCA1 c.134+5G>T variant has not been reported in individuals with BRCA1-related conditions in the published literature. Assessment of experimental evidence suggests this variant results in abnormal BRCA1 function due to altered RNA splicing (PMIDs: 24569164 (2014), 29280214 (2018), 30209399 (2018)). It has not been reported in large, multi-ethnic general populations (Genome Aggregation Database). Analysis of this variant using software algorithms for the prediction of the effect of nucleotide changes on splicing yielded predictions that this variant may affect proper BRCA1 mRNA splicing. Based on the available information, we are unable to determine the clinical significance of this variant.

Sharing Clinical Reports Project (SCRP)
Classification: Likely pathogenic for Breast-ovarian cancer, familial 1. Last evaluated: 2012-05-01. Review status: no assertion criteria provided. Collection method: clinical testing. Allele origin: germline. Not counted in ClinVar's aggregate classification.

Brotman Baty Institute, University of Washington
No classification provided (evidence only). Condition: Breast-ovarian cancer, familial 1. Review status: no classification provided. Collection method: in vitro. Allele origin: not applicable. Functional consequence: functionally_abnormal. Not counted in ClinVar's aggregate classification.
ClinVar note: "not provided" was previously submitted as the classification for the variant. However, the classification appeared to be based only on an observation of functional data so it was converted to no classification on 2025-07-30.

Literature cited by the submitters: PubMed 29280214 (cited by Quest Diagnostics Nichols Institute San Juan Capistrano); PubMed 24569164 (cited by Quest Diagnostics Nichols Institute San Juan Capistrano); PubMed 30209399 (cited by Quest Diagnostics Nichols Institute San Juan Capistrano).

NM_007294.4(BRCA1):c.134+5G>T

Gene: BRCA1 (BRCA1 DNA repair associated; minus strand). Cytogenetic location: 17q21.31.
Variant type: single nucleotide variant.
Coding change: c.134+5G>T on transcript NM_007294.4 (MANE Select); 5 bases into the intron after coding-DNA position 134, G replaced by T.
Molecular consequence: intron variant.
Genome position (GRCh38, 1-based): chr17:43,115,721, C>A on the plus strand (G>T on the coding strand, the complement: BRCA1 is on the minus strand). VCF-style: chr17-43115721-C-A. GRCh37 (hg19) VCF-style: chr17-41267738-C-A.
Other names: IVS3+5G>T; c.134+5G>T (NM_001408422.1, NM_001407874.1, NM_001408416.1 and 191 more transcripts); c.-124+5G>T (NM_001407727.1, NM_001407724.1, NM_001407746.1 and 13 more transcripts); c.-55+5G>T (NM_001407896.1, NM_001407952.1, NM_001407571.1 and 52 more transcripts); c.-171+5G>T (NM_001407900.1, NM_001408492.1, NM_001407889.1); c.-8+9G>T (NM_001407841.1); c.-8+5G>T (NM_001408462.1, NM_001407697.1, NM_001407838.1 and 47 more transcripts); c.-55+8296G>T (NM_001407902.1, NM_001407898.1, NM_001407881.1); and 11 more.
Identifiers: ClinVar variation 96899 (VCV000096899.7), dbSNP rs80358038, ClinGen allele CA000889.